The following is an entry in ClinVar:

NM_002435.3(MPI):c.400del (p.His134fs)

Gene: MPI (mannose phosphate isomerase; plus strand). Cytogenetic location: 15q24.1.
Variant type: Deletion.
Coding change: c.400del on transcript NM_002435.3 (MANE Select); coding-DNA position 400, one base deleted (C; older notation c.400delC).
Protein change: p.His134fs; shifts the reading frame from histidine 134.
Molecular consequence: frameshift variant.
Genome position (GRCh38, 1-based): chr15:74,892,715, C deleted; the last of 2 consecutive C bases (chr15:74,892,714-74,892,715); deleting either gives the same sequence. VCF-style (leftmost placement, unchanged base first): chr15-74892713-AC-A. GRCh37 (hg19) VCF-style: chr15-75185054-AC-A.
Other names: c.400del, p.His134fs (NM_001289155.2, NM_001289157.2); c.250del, p.His84fs (NM_001289156.2); c.340del, p.His114fs (NM_001330372.2); short protein forms H114fs, H134fs, H84fs.
Identifiers: ClinVar variation 5015938 (VCV005015938.1).

ClinVar aggregate classification (germline): Pathogenic (1 of 4 stars; one submission).

Conditions:
MPI-congenital disorder of glycosylation. Also called: CONGENITAL DISORDER OF GLYCOSYLATION, TYPE Ib; CDG Ib; MANNOSEPHOSPHATE ISOMERASE DEFICIENCY; MPI DEFICIENCY; PROTEIN-LOSING ENTEROPATHY-HEPATIC FIBROSIS SYNDROME; MPI-CDG. Identifiers: Orphanet 79319, MedGen C1865145, MONDO:0011257, OMIM 602579.

Submission:

Myriad Genetics, Inc.
Classification: Pathogenic for MPI-congenital disorder of glycosylation. Last evaluated: 2026-05-21. Review status: criteria provided, single submitter. Criteria: Myriad Autosomal Dominant, Autosomal Recessive and X-Linked Classification Criteria (2023). Collection method: clinical testing. Allele origin: unknown.
Comment: NM_002435.1(MPI):c.400delC(H134Tfs*25) is expected to be pathogenic in the context of congenital disorder of glycosylation, MPI-related. This variant is predicted to lead to an abnormal or absent protein product due to the creation of a premature termination codon in MPI, a gene where loss-of-function variants are known to be pathogenic. Please note: this variant was assessed in the context of healthy population screening.